The following is an entry in ClinVar:

NM_001122659.3(EDNRB):c.371G>A (p.Arg124Lys)

Gene: EDNRB (endothelin receptor type B; minus strand). Cytogenetic location: 13q22.3.
Variant type: single nucleotide variant.
Coding change: c.371G>A on transcript NM_001122659.3 (MANE Select); coding-DNA position 371, G replaced by A.
Protein change: p.Arg124Lys; replaces arginine 124 with lysine.
Molecular consequence: missense variant.
Genome position (GRCh38, 1-based): chr13:77,918,203, C>T on the plus strand (G>A on the coding strand, the complement: EDNRB is on the minus strand). VCF-style: chr13-77918203-C-T. GRCh37 (hg19) VCF-style: chr13-78492338-C-T.
Other names: c.371G>A, p.Arg124Lys (NM_000115.5, NM_003991.4); c.641G>A, p.Arg214Lys (NM_001201397.2); short protein forms R124K, R214K.
Identifiers: ClinVar variation 3506706 (VCV003506706.2).

ClinVar aggregate classification (germline): Uncertain significance. Review status: criteria provided, multiple submitters, no conflicts (2 of 4 stars). 2 submissions from 2 submitters: Uncertain significance (2). Last evaluated 2025-12-16.

Conditions:
Inborn genetic diseases. Identifiers: MedGen C0950123, MeSH D030342.

gnomAD v4.1: 11 of 1,614,142 alleles (0.00068%); highest among the groups gnomAD compares: African/African-American, 0.0093%; no homozygotes.

Submissions (2):

Labcorp Genetics (formerly Invitae), Labcorp
Classification: Uncertain significance. Last evaluated: 2025-12-16. Review status: criteria provided, single submitter. Criteria: Invitae Variant Classification Sherloc (09022015). Collection method: clinical testing. Allele origin: germline.
Comment: This sequence change replaces arginine, which is basic and polar, with lysine, which is basic and polar, at codon 124 of the EDNRB protein (p.Arg124Lys). This variant is present in population databases (rs541269180, gnomAD 0.02%). This variant has not been reported in the literature in individuals affected with EDNRB-related conditions. ClinVar contains an entry for this variant (Variation ID: 3506706). Invitae Evidence Modeling of protein sequence and biophysical properties (such as structural, functional, and spatial information, amino acid conservation, physicochemical variation, residue mobility, and thermodynamic stability) indicates that this missense variant is not expected to disrupt EDNRB protein function with a negative predictive value of 80%. In summary, the available evidence is currently insufficient to determine the role of this variant in disease. Therefore, it has been classified as a Variant of Uncertain Significance.

Ambry Genetics
Classification: Uncertain significance for Inborn genetic diseases. Last evaluated: 2024-09-04. Review status: criteria provided, single submitter. Criteria: Ambry Variant Classification Scheme 2023. Collection method: clinical testing. Allele origin: germline.